The following is an entry in ClinVar:

NM_000124.4(ERCC6):c.1412_1413del (p.Leu471fs)

Gene: ERCC6 (ERCC excision repair 6, chromatin remodeling factor; minus strand). Cytogenetic location: 10q11.23.
Variant type: Deletion.
Coding change: c.1412_1413del on transcript NM_000124.4 (MANE Select); coding-DNA positions 1412 to 1413, 2 bases deleted (TG; older notation c.1412_1413delTG).
Protein change: p.Leu471fs; shifts the reading frame from leucine 471.
Molecular consequence: frameshift variant.
Genome position (GRCh38, 1-based): chr10:49,505,997-49,505,998, CA deleted on the plus strand (TG on the coding strand, the reverse complement: ERCC6 is on the minus strand). VCF-style (leftmost placement, unchanged base first): chr10-49505996-TCA-T. GRCh37 (hg19) VCF-style: chr10-50714042-TCA-T.
Other names: c.1412_1413del, p.Leu471fs (NM_001346440.2); short protein forms L471fs.
Identifiers: ClinVar variation 1070424 (VCV001070424.9), dbSNP rs933980617, ClinGen allele CA206611861.

ClinVar aggregate classification (germline): Pathogenic (1 of 4 stars; one submission).

Allele frequency attached by ClinVar (database versions not stated): gnomAD exomes below 0.00001 and 0.00001; TOPMed 0.00001.

Submission:

Labcorp Genetics (formerly Invitae), Labcorp
Classification: Pathogenic. Last evaluated: 2025-12-09. Review status: criteria provided, single submitter. Criteria: Invitae Variant Classification Sherloc (09022015). Collection method: clinical testing. Allele origin: germline.
Comment: This sequence change creates a premature translational stop signal (p.Leu471Glnfs*16) in the ERCC6 gene. It is expected to result in an absent or disrupted protein product. Loss-of-function variants in ERCC6 are known to be pathogenic (PMID: 18628313, 29572252). This variant is present in population databases (no rsID available, gnomAD 0.0009%). This premature translational stop signal has been observed in individual(s) with Cockayne syndrome (PMID: 29572252). ClinVar contains an entry for this variant (Variation ID: 1070424). For these reasons, this variant has been classified as Pathogenic.

Literature cited by the submitters: PubMed 18628313; PubMed 29572252.